The following is an entry in ClinVar:

NM_004006.3(DMD):c.6404del (p.Asn2135fs)

Gene: DMD (dystrophin; minus strand). Cytogenetic location: Xp21.1.
Variant type: Deletion.
Coding change: c.6404del on transcript NM_004006.3 (MANE Select); coding-DNA position 6404, one base deleted (A; older notation c.6404delA).
Protein change: p.Asn2135fs; shifts the reading frame from asparagine 2135.
Molecular consequence: frameshift variant.
Genome position (GRCh38, 1-based): chrX:32,216,950, T deleted on the plus strand (A on the coding strand, the reverse complement: DMD is on the minus strand); the first of 2 consecutive T bases (chrX:32,216,950-32,216,951); deleting either gives the same sequence. VCF-style (leftmost placement, unchanged base first): chrX-32216949-AT-A. GRCh37 (hg19) VCF-style: chrX-32235066-AT-A.
Other names: c.6380del, p.Asn2127fs (NM_000109.4); c.6392del, p.Asn2131fs (NM_004009.3); c.6035del, p.Asn2012fs (NM_004010.3); c.2381del, p.Asn794fs (NM_004011.4); c.2372del, p.Asn791fs (NM_004012.4); short protein forms N2012fs, N2135fs, N791fs, N2127fs, N2131fs, N794fs.
Identifiers: ClinVar variation 2769388 (VCV002769388.3), dbSNP rs2519058015, ClinGen allele CA2697552948.
Genomic context (GRCh38, chrX:32,216,949, plus strand): 5'-TTTCGAAAAAACAAATCAAAGACTTACCTTAAGATACCATTTGTATTTAGCATGTTCCCA[AT>A]TCTCAGGAATTTGTGTCTTTCTGAGAAACTGTTCAGCTTCTGTTAGCCACTGATTAAATA-3'

ClinVar aggregate classification (germline): Pathogenic (1 of 4 stars; one submission).

Conditions:
Duchenne muscular dystrophy (DMD). Also called: MUSCULAR DYSTROPHY, PSEUDOHYPERTROPHIC PROGRESSIVE, DUCHENNE TYPE; Duchenne Muscular Dystrophy (DMD). Identifiers: Orphanet 98896, MedGen C0013264, MONDO:0010679, OMIM 310200.

Submission:

Labcorp Genetics (formerly Invitae), Labcorp
Classification: Pathogenic for Duchenne muscular dystrophy. Last evaluated: 2023-10-17. Review status: criteria provided, single submitter. Criteria: Invitae Variant Classification Sherloc (09022015). Collection method: clinical testing. Allele origin: germline.
Comment: This sequence change creates a premature translational stop signal (p.Asn2135Ilefs*28) in the DMD gene. It is expected to result in an absent or disrupted protein product. Loss-of-function variants in DMD are known to be pathogenic (PMID: 16770791, 25007885). This variant is not present in population databases (gnomAD no frequency). This variant has not been reported in the literature in individuals affected with DMD-related conditions. For these reasons, this variant has been classified as Pathogenic.

Literature cited by the submitters: PubMed 16770791; PubMed 25007885.